The following is an entry in ClinVar:

ClinVar aggregate classification (germline): Pathogenic/Likely pathogenic. Review status: criteria provided, multiple submitters, no conflicts (2 of 4 stars). 3 submissions from 3 submitters: Pathogenic (1); Likely pathogenic (1). 1 of the submissions does not count toward it. Last evaluated 2025-02-24.

Conditions:
Intellectual developmental disorder, autosomal dominant 51. Also called: MENTAL RETARDATION, AUTOSOMAL DOMINANT 51; Intellectual disability, autosomal dominant 51. Identifiers: Orphanet 684226, MedGen C4540474, MONDO:0030917, OMIM 617788.

Submissions (3):

GeneDx
Classification: Pathogenic. Last evaluated: 2025-02-24. Review status: criteria provided, single submitter. Criteria: GeneDx Variant Classification Process June 2021. Collection method: clinical testing. Allele origin: germline. Affected: yes.
Comment: Identified in a patient with autism, global developmental delay, tall stature, macrocephaly, and mild hypermobility in published literature (PMID: 36897941); Not observed at significant frequency in large population cohorts (gnomAD); Canonical splice site variant predicted to result in a null allele in a gene for which loss of function is a known mechanism of disease; This variant is associated with the following publications: (PMID: 36897941)

Juno Genomics, Hangzhou Juno Genomics, Inc
Classification: Likely pathogenic for Intellectual developmental disorder, autosomal dominant 51. Review status: criteria provided, single submitter. Criteria: ACMG Guidelines, 2015. Collection method: clinical testing. Allele origin: germline. Affected: yes.
Comment: Absent from controls (or at extremely low frequency if recessive) in Genome Aggregation Database, Exome Sequencing Project, 1000 Genomes Project, or Exome Aggregation Consortium.;Null variant in a gene where loss of function (LOF) is a known mechanism of disease.;Patient's phenotype or family history is highly specific for a disease with a single genetic etiology.

Clinical Genetics Laboratory, University Hospital Schleswig-Holstein
Classification: Pathogenic for Intellectual developmental disorder, autosomal dominant 51. Last evaluated: 2021-10-25. Review status: no assertion criteria provided. Collection method: clinical testing. Allele origin: germline. Affected: yes. Not counted in ClinVar's aggregate classification.

NM_017635.5(KMT5B):c.840+1_840+5del

Gene: KMT5B (lysine methyltransferase 5B; minus strand). Cytogenetic location: 11q13.2.
Variant type: Microsatellite.
Coding change: c.840+1_840+5del on transcript NM_017635.5 (MANE Select); the canonical splice donor site of the intron after coding-DNA position 840 through 5 bases into the intron after coding-DNA position 840, 5 bases deleted (GTAAG; older notation c.840+1_840+5delGTAAG).
Molecular consequence: splice donor variant.
Genome position (GRCh38, 1-based): chr11:68,171,227-68,171,231, CTTAC deleted on the plus strand (GTAAG on the coding strand, the reverse complement: KMT5B is on the minus strand); deleting any 5 consecutive bases within chr11:68,171,227-68,171,236 gives the same sequence; the c. name uses the placement nearest the transcript's 3' end. VCF-style (leftmost placement, unchanged base first): chr11-68171226-GCTTAC-G. GRCh37 (hg19) VCF-style: chr11-67938693-GCTTAC-G.
Other names: c.324+1_324+5delGTAAG (NM_001369433.1); c.324+1_324+5del (NM_001369430.1, NM_001369432.1, NM_001369428.1 and 5 more transcripts); c.120+1_120+5del (NM_001300908.2); c.840+1_840+5del (NM_001369426.1, NM_001363566.2, NM_001369427.1 and 1 more transcripts); c.627+1_627+5del (NM_001369425.1); c.771+1_771+5del (NM_001300909.2).
Identifiers: ClinVar variation 1326925 (VCV001326925.5), dbSNP rs2153052061, ClinGen allele CA2580615746.